The following is an entry in ClinVar:

ClinVar aggregate classification (germline): Pathogenic (1 of 4 stars; one submission).

Submission:

Labcorp Genetics (formerly Invitae), Labcorp
Classification: Pathogenic. Last evaluated: 2022-04-10. Review status: criteria provided, single submitter. Criteria: Invitae Variant Classification Sherloc (09022015). Collection method: clinical testing. Allele origin: germline.
Comment: This variant has not been reported in the literature in individuals affected with PCDH15-related conditions. This variant is not present in population databases (gnomAD no frequency). This sequence change creates a premature translational stop signal (p.Thr582Asnfs*7) in the PCDH15 gene. It is expected to result in an absent or disrupted protein product. Loss-of-function variants in PCDH15 are known to be pathogenic (PMID: 11398101, 11487575, 14570705). For these reasons, this variant has been classified as Pathogenic.

Literature cited by the submitters: PubMed 11398101; PubMed 11487575; PubMed 14570705.

NM_001384140.1(PCDH15):c.1744dup (p.Thr582fs)

Gene: PCDH15 (protocadherin related 15; minus strand). Cytogenetic location: 10q21.1.
Variant type: Duplication.
Coding change: c.1744dup on transcript NM_001384140.1 (MANE Select); coding-DNA position 1744, one base duplicated (A; older notation c.1744dupA).
Protein change: p.Thr582fs; shifts the reading frame from threonine 582.
Molecular consequence: frameshift variant.
Genome position (GRCh38, 1-based): chr10:54,153,140, T duplicated on the plus strand (A on the coding strand, the reverse complement: PCDH15 is on the minus strand). VCF-style (leftmost placement, unchanged base first): chr10-54153139-G-GT. GRCh37 (hg19) VCF-style: chr10-55912899-G-GT.
Other names: c.1759dup, p.Thr587fs (NM_001142763.2, NM_001142771.2); c.1744dup, p.Thr582fs (NM_001142764.2, NM_001142765.2, NM_001142766.2 and 6 more transcripts); c.1633dup, p.Thr545fs (NM_001142767.2); c.1678dup, p.Thr560fs (NM_001142768.2, NM_001142773.2, NM_001354404.2); c.1780dup, p.Thr594Asnfs (NM_001142769.4); c.1765dup, p.Thr589fs (NM_001354411.2); short protein forms T589fs, T587fs, T545fs, T560fs, T594fs, T582fs.
Identifiers: ClinVar variation 2124139 (VCV002124139.4), dbSNP rs2539026220, ClinGen allele CA2580081634.